The following is an entry in ClinVar:

NM_022114.4(PRDM16):c.1120A>G (p.Thr374Ala)

Gene: PRDM16 (PR/SET domain 16; plus strand). Cytogenetic location: 1p36.32.
Variant type: single nucleotide variant.
Coding change: c.1120A>G on transcript NM_022114.4 (MANE Select); coding-DNA position 1120, A replaced by G.
Protein change: p.Thr374Ala; replaces threonine 374 with alanine.
Molecular consequence: missense variant.
Genome position (GRCh38, 1-based): chr1:3,405,582, A>G. VCF-style: chr1-3405582-A-G. GRCh37 (hg19) VCF-style: chr1-3322146-A-G.
Other names: c.1120A>G, p.Thr374Ala (NM_199454.3); short protein forms T374A.
Identifiers: ClinVar variation 4084918 (VCV004084918.8).

ClinVar aggregate classification (germline): Uncertain significance (1 of 4 stars; one submission).

Submission:

CeGaT Center for Human Genetics Tuebingen
Classification: Uncertain significance. Last evaluated: 2025-07-01. Review status: criteria provided, single submitter. Criteria: CeGaT Center For Human Genetics Tuebingen Variant Classification Criteria Version 2. Collection method: clinical testing. Allele origin: germline. Affected: yes. Observed: 1 variant allele.
Comment: PRDM16: PM2, PP2